The following is an entry in ClinVar:

NM_002830.4(PTPN4):c.2423G>A (p.Arg808His)

Gene: PTPN4 (protein tyrosine phosphatase non-receptor type 4; plus strand). Cytogenetic location: 2q14.2.
Variant type: single nucleotide variant.
Coding change: c.2423G>A on transcript NM_002830.4 (MANE Select); coding-DNA position 2423, G replaced by A.
Protein change: p.Arg808His; replaces arginine 808 with histidine.
Molecular consequence: missense variant.
Genome position (GRCh38, 1-based): chr2:119,965,510, G>A. VCF-style: chr2-119965510-G-A. GRCh37 (hg19) VCF-style: chr2-120723086-G-A.
Other names: short protein forms R808H.
Identifiers: ClinVar variation 984744 (VCV000984744.1), dbSNP rs1679433867, ClinGen allele CA348150248.

ClinVar aggregate classification (germline): Uncertain significance (1 of 4 stars; one submission).

Allele frequency attached by ClinVar (database versions not stated): gnomAD exomes below 0.00001; gnomAD 0.00001.

Submission:

GeneDx
Classification: Uncertain significance. Last evaluated: 2020-06-11. Review status: criteria provided, single submitter. Criteria: GeneDx Variant Classification (06012015). Collection method: clinical testing. Allele origin: germline. Affected: yes.